The following is an entry in ClinVar:

ClinVar aggregate classification (germline): Uncertain significance (1 of 4 stars; one submission).

Conditions:
Singleton-Merten syndrome 1 (SGMRT1). Also called: Widened medullary cavities of bone, aortic calcification, abnormal dentition, and muscular weakness; Syndrome of widened medullary cavities of the metacarpals and phalanges, aortic calcification and abnormal dentition. Identifiers: Orphanet 85191, MedGen C4225427, MONDO:0024535, OMIM 182250.
Aicardi-Goutieres syndrome 7 (AGS7). Identifiers: Orphanet 51, MedGen C3888244, MONDO:0014367, OMIM 615846.

Allele frequency attached by ClinVar (database versions not stated): TOPMed 0.00001.

Submission:

Labcorp Genetics (formerly Invitae), Labcorp
Classification: Uncertain significance for Aicardi-Goutieres syndrome 7; Singleton-Merten syndrome 1. Last evaluated: 2025-11-27. Review status: criteria provided, single submitter. Criteria: Invitae Variant Classification Sherloc (09022015). Collection method: clinical testing. Allele origin: germline.
Comment: This sequence change replaces asparagine, which is neutral and polar, with aspartic acid, which is acidic and polar, at codon 930 of the IFIH1 protein (p.Asn930Asp). This variant is not present in population databases (gnomAD no frequency). This variant has not been reported in the literature in individuals affected with IFIH1-related conditions. ClinVar contains an entry for this variant (Variation ID: 843149). Invitae Evidence Modeling of protein sequence and biophysical properties (such as structural, functional, and spatial information, amino acid conservation, physicochemical variation, residue mobility, and thermodynamic stability) has been performed for this missense variant. However, the output from this modeling did not meet the statistical confidence thresholds required to predict the impact of this variant on IFIH1 protein function. In summary, the available evidence is currently insufficient to determine the role of this variant in disease. Therefore, it has been classified as a Variant of Uncertain Significance.

NM_022168.4(IFIH1):c.2788A>G (p.Asn930Asp)

Gene: IFIH1 (interferon induced with helicase C domain 1; minus strand). Cytogenetic location: 2q24.2.
Variant type: single nucleotide variant.
Coding change: c.2788A>G on transcript NM_022168.4 (MANE Select); coding-DNA position 2788, A replaced by G.
Protein change: p.Asn930Asp; replaces asparagine 930 with aspartic acid.
Molecular consequence: missense variant.
Genome position (GRCh38, 1-based): chr2:162,268,106, T>C on the plus strand (A>G on the coding strand, the complement: IFIH1 is on the minus strand). VCF-style: chr2-162268106-T-C. GRCh37 (hg19) VCF-style: chr2-163124616-T-C.
Other names: short protein forms N930D.
Identifiers: ClinVar variation 843149 (VCV000843149.11), dbSNP rs374202040, ClinGen allele CA59652865.